The following is an entry in ClinVar:

ClinVar aggregate classification (germline): Uncertain significance (1 of 4 stars; one submission).

Allele frequency attached by ClinVar (database versions not stated): gnomAD exomes below 0.00001.

Submission:

GeneDx
Classification: Uncertain significance. Last evaluated: 2020-03-10. Review status: criteria provided, single submitter. Criteria: GeneDx Variant Classification Process June 2021. Collection method: clinical testing. Allele origin: germline. Affected: yes.
Comment: Not observed in large population cohorts (Lek et al., 2016); In silico analysis supports that this missense variant has a deleterious effect on protein structure/function; Has not been previously published as pathogenic or benign to our knowledge; A different missense change at this residue (N770H) has been reported in the published literature in association with delayed puberty (Mancini et al., 2019)

NM_024496.4(IRF2BPL):c.2309A>G (p.Asn770Ser)

Gene: IRF2BPL (interferon regulatory factor 2 binding protein like; minus strand). Cytogenetic location: 14q24.3.
Variant type: single nucleotide variant.
Coding change: c.2309A>G on transcript NM_024496.4 (MANE Select); coding-DNA position 2309, A replaced by G.
Protein change: p.Asn770Ser; replaces asparagine 770 with serine.
Molecular consequence: missense variant.
Genome position (GRCh38, 1-based): chr14:77,025,484, T>C on the plus strand (A>G on the coding strand, the complement: IRF2BPL is on the minus strand). VCF-style: chr14-77025484-T-C. GRCh37 (hg19) VCF-style: chr14-77491827-T-C.
Other names: short protein forms N770S.
Identifiers: ClinVar variation 1196629 (VCV001196629.2), dbSNP rs1885082743, ClinGen allele CA390486913.